The following is an entry in ClinVar:

NM_030962.4(SBF2):c.167T>C (p.Leu56Pro)

Gene: SBF2 (SET binding factor 2; minus strand). Cytogenetic location: 11p15.4.
Variant type: single nucleotide variant.
Coding change: c.167T>C on transcript NM_030962.4 (MANE Select); coding-DNA position 167, T replaced by C.
Protein change: p.Leu56Pro; replaces leucine 56 with proline.
Molecular consequence: missense variant.
Genome position (GRCh38, 1-based): chr11:10,042,956, A>G on the plus strand (T>C on the coding strand, the complement: SBF2 is on the minus strand). VCF-style: chr11-10042956-A-G. GRCh37 (hg19) VCF-style: chr11-10064503-A-G.
Other names: c.167T>C, p.Leu56Pro (NM_001386339.1, NM_001386342.1); c.203T>C, p.Leu68Pro (NM_001424318.1, NM_001425069.1, NM_001425070.1); short protein forms L56P, L68P.
Identifiers: ClinVar variation 2858311 (VCV002858311.3), dbSNP rs2496467589, ClinGen allele CA379644026.

ClinVar aggregate classification (germline): Uncertain significance (1 of 4 stars; one submission).

Conditions:
Charcot-Marie-Tooth disease type 4. Also called: Charcot-Marie-Tooth disease, type IV; Charcot-Marie-Tooth, Type 4. Identifiers: Orphanet 64749, MedGen C4082197, MONDO:0018995.

Allele frequency attached by ClinVar (database versions not stated): gnomAD exomes below 0.00001.
gnomAD v4.1: 3 of 1,614,016 alleles (0.00019%); highest among the groups gnomAD compares: Non-Finnish European, 0.00025%; no homozygotes.

Submission:

Labcorp Genetics (formerly Invitae), Labcorp
Classification: Uncertain significance for Charcot-Marie-Tooth disease type 4. Last evaluated: 2024-10-22. Review status: criteria provided, single submitter. Criteria: Invitae Variant Classification Sherloc (09022015). Collection method: clinical testing. Allele origin: germline.
Comment: This sequence change replaces leucine, which is neutral and non-polar, with proline, which is neutral and non-polar, at codon 56 of the SBF2 protein (p.Leu56Pro). This variant is not present in population databases (gnomAD no frequency). This variant has not been reported in the literature in individuals affected with SBF2-related conditions. Invitae Evidence Modeling of protein sequence and biophysical properties (such as structural, functional, and spatial information, amino acid conservation, physicochemical variation, residue mobility, and thermodynamic stability) indicates that this missense variant is expected to disrupt SBF2 protein function with a positive predictive value of 80%. In summary, the available evidence is currently insufficient to determine the role of this variant in disease. Therefore, it has been classified as a Variant of Uncertain Significance.